The following is an entry in ClinVar:

ClinVar aggregate classification (germline): Uncertain significance (1 of 4 stars; one submission).

Conditions:
Hereditary cancer-predisposing syndrome. Also called: Hereditary Cancer Syndrome; Hereditary neoplastic syndrome; Neoplastic Syndromes, Hereditary; Tumor predisposition. Identifiers: Orphanet 140162, MedGen C0027672, MeSH D009386, MONDO:0015356.

Allele frequency attached by ClinVar (database versions not stated): gnomAD exomes below 0.00001.
gnomAD v4.1: 1 of 1,614,150 alleles (0.000062%); highest among the groups gnomAD compares: Non-Finnish European, 0.000085%; no homozygotes.

Submission:

Ambry Genetics
Classification: Uncertain significance for Hereditary cancer-predisposing syndrome. Last evaluated: 2021-03-30. Review status: criteria provided, single submitter. Criteria: Ambry Variant Classification Scheme 2023. Collection method: clinical testing. Allele origin: germline.
Comment: The p.L438F variant (also known as c.1312C>T), located in coding exon 2 of the MET gene, results from a C to T substitution at nucleotide position 1312. The leucine at codon 438 is replaced by phenylalanine, an amino acid with highly similar properties. This amino acid position is highly conserved in available vertebrate species. In addition, the in silico prediction for this alteration is inconclusive. Since supporting evidence is limited at this time, the clinical significance of this alteration remains unclear.

NM_000245.4(MET):c.1312C>T (p.Leu438Phe)

Gene: MET (MET proto-oncogene, receptor tyrosine kinase; plus strand). Cytogenetic location: 7q31.2.
Variant type: single nucleotide variant.
Coding change: c.1312C>T on transcript NM_000245.4 (MANE Select); coding-DNA position 1312, C replaced by T.
Protein change: p.Leu438Phe; replaces leucine 438 with phenylalanine.
Molecular consequence: missense variant.
Genome position (GRCh38, 1-based): chr7:116,731,779, C>T. VCF-style: chr7-116731779-C-T. GRCh37 (hg19) VCF-style: chr7-116371833-C-T.
Other names: c.1312C>T, p.Leu438Phe (NM_001127500.3, NM_001324401.3); c.22C>T, p.Leu8Phe (NM_001324402.2); short protein forms L8F, L438F.
Identifiers: ClinVar variation 1769699 (VCV001769699.2), dbSNP rs587780733, ClinGen allele CA368972907.
Genomic context (GRCh38, chr7:116,731,779, plus strand): 5'-ACAGAGTTTACCACAGCTTTGCAGCGCGTTGACTTATTCATGGGTCAATTCAGCGAAGTC[C>T]TCTTAACATCTATATCCACCTTCATTAAAGGAGACCTCACCATAGCTAATCTTGGGACAT-3'
Protein context (NP_000236.2, residues 428-448): DLFMGQFSEV[Leu438Phe]LTSISTFIKG